The following is an entry in ClinVar:

ClinVar aggregate classification (germline): Likely pathogenic (1 of 4 stars; one submission).

Conditions:
Fabry disease. Also called: Fabry's disease; ALPHA-GALACTOSIDASE A DEFICIENCY; ANDERSON-FABRY DISEASE; CERAMIDE TRIHEXOSIDASE DEFICIENCY; GLA DEFICIENCY; HEREDITARY DYSTOPIC LIPIDOSIS. Identifiers: Orphanet 324, MedGen C0002986, MONDO:0010526, OMIM 301500, HP:0001071. Disease mechanism: Fabry disease is due to inactivating mutations in the X-linked GLA gene resulting in deficiency of the enzyme Alpha Galactosidase-A., loss of function.

Submission:

Genomenon, Inc
Classification: Likely pathogenic for Fabry disease. Last evaluated: 2026-09-08. Review status: criteria provided, single submitter. Criteria: Genomenon Sequence Variant Interpretation Standards - Updated. Collection method: curation. Allele origin: germline. Affected: no.
Comment: GLA p.Leu45Arg (c.134T>G) is a missense variant that changes the amino acid at codon 45 from Leucine to Arginine. To our knowledge, this variant has not been reported in patients affected with Fabry disease in the published literature. At least one functional study has demonstrated a substantial alteration in protein function relative to the wild-type (PMID:27657681). This variant is located in a mutational hotspot and/or important functional domain. It is absent or not present at a significant frequency in gnomAD. In silico models predict that this variant is possibly or probably damaging. In conclusion, we classify GLA p.Leu45Arg (c.134T>G) as a likely pathogenic variant.

Literature cited by the submitters: PubMed 27657681.

NM_000169.3(GLA):c.134T>G (p.Leu45Arg)

Genes: GLA (galactosidase alpha; minus strand), RPL36A-HNRNPH2 (RPL36A-HNRNPH2 readthrough; plus strand). Cytogenetic location: Xq22.1.
Variant type: single nucleotide variant.
Coding change: c.134T>G on transcript NM_000169.3 (MANE Select); coding-DNA position 134, T replaced by G.
Protein change: p.Leu45Arg; replaces leucine 45 with arginine.
Molecular consequence: missense variant. On other transcripts: non-coding transcript variant (3), intron variant (2).
Genome position (GRCh38, 1-based): chrX:101,407,770, A>C on the plus strand (T>G on the coding strand, the complement: GLA is on the minus strand). VCF-style: chrX-101407770-A-C. GRCh37 (hg19) VCF-style: chrX-100662758-A-C.
Other names: c.134T>G, p.Leu45Arg (NM_001406747.1, NM_001406748.1, NM_001406749.1); c.301-4166A>C (NM_001199973.2); c.178-4166A>C (NM_001199974.2); short protein forms L45R.
Identifiers: ClinVar variation 4974852 (VCV004974852.1).
Genomic context (GRCh38, chrX:101,407,770, plus strand): 5'-CTGATGCAGGAATCTGGCTCTTCCTGGCAGTCAAGGTTGCACATGAAGCGCTCCCAGTGC[A>C]GCCAGCCCATGGTAGGCGTCCTTGCCAATCCATTGTCCAGTGCTCTAGCCCCAGGGATGT-3'
Protein context (NP_000160.1, residues 35-55): GLARTPTMGW[Leu45Arg]HWERFMCNLD